The following is an entry in ClinVar:

NM_003809.3(TNFSF12):c.80GCCTGG[3] (p.Leu30_Ala31insGlyLeu)

Genes: TNFSF12 (TNF superfamily member 12; plus strand), TNFSF12-TNFSF13 (TNFSF12-TNFSF13 readthrough; plus strand), LOC130060153 (ATAC-STARR-seq lymphoblastoid silent region 8127; plus strand). Cytogenetic location: 17p13.1.
Variant type: Microsatellite.
Coding change: c.80GCCTGG[3] on transcript NM_003809.3 (MANE Select); three copies in a row of the 6-base unit GCCTGG starting at c.80; the reference has two copies in a row; one copy, 6 bases duplicated.
Protein change: p.Leu30_Ala31insGlyLeu.
Molecular consequence: inframe insertion. On other transcripts: non-coding transcript variant (1).
Genome position (GRCh38, 1-based): chr17:7,549,239-7,549,244, GCCTGG duplicated; duplicating any 6 consecutive bases within chr17:7,549,229-7,549,244 gives the same sequence; the position shown is the placement nearest the transcript's 3' end. VCF-style (leftmost placement, unchanged base first): chr17-7549228-G-GCTGGGC. GRCh37 (hg19) VCF-style: chr17-7452545-G-GCTGGGC.
Other names: c.80GCCTGG[3], p.Leu30_Ala31insGlyLeu (NM_172089.4).
Identifiers: ClinVar variation 2984818 (VCV002984818.3), dbSNP rs2508304937, ClinGen allele CA2576153353.
Genomic context (GRCh38, chr17:7,549,228, plus strand): 5'-GAGCCAGAGGCGGAGGGGGCGCCGGGGGGAGCCGGGCACCGCCCTGCTGGTCCCGCTCGC[G>GCTGGGC]CTGGGCCTGGGCCTGGCGCTGGCCTGCCTCGGCCTCCTGCTGGCCGTGGTCAGTTTGGGG-3'

ClinVar aggregate classification (germline): Uncertain significance (1 of 4 stars; one submission).

Conditions:
Common variable immunodeficiency (CVID). Also called: Common variable hypogamma-globulinemia; Common variable agammaglobulinemia. Identifiers: Orphanet 1572, MedGen C0009447, MONDO:0015517.

Submission:

Labcorp Genetics (formerly Invitae), Labcorp
Classification: Uncertain significance for Common variable immunodeficiency. Last evaluated: 2025-05-01. Review status: criteria provided, single submitter. Criteria: Invitae Variant Classification Sherloc (09022015). Collection method: clinical testing. Allele origin: germline.
Comment: This variant, c.86_91dup, results in the insertion of 2 amino acid(s) of the TNFSF12 protein (p.Gly29_Leu30dup), but otherwise preserves the integrity of the reading frame. This variant is not present in population databases (gnomAD no frequency). This variant has not been reported in the literature in individuals affected with TNFSF12-related conditions. Experimental studies and prediction algorithms are not available or were not evaluated, and the functional significance of this variant is currently unknown. In summary, the available evidence is currently insufficient to determine the role of this variant in disease. Therefore, it has been classified as a Variant of Uncertain Significance.